The following is an entry in ClinVar:

NM_130839.5(UBE3A):c.1704del (p.Glu570fs)

Genes: SNHG14 (small nucleolar RNA host gene 14; plus strand), UBE3A (ubiquitin protein ligase E3A; minus strand). Cytogenetic location: 15q11.2.
Variant type: Deletion.
Coding change: c.1704del on transcript NM_130839.5 (MANE Select); coding-DNA position 1704, one base deleted (C; older notation c.1704delC).
Protein change: p.Glu570fs; shifts the reading frame from glutamic acid 570.
Molecular consequence: frameshift variant. On other transcripts: non-coding transcript variant (1).
Genome position (GRCh38, 1-based): chr15:25,360,432, G deleted on the plus strand (C on the coding strand, the reverse complement: UBE3A is on the minus strand); the first of 2 consecutive G bases (chr15:25,360,432-25,360,433); deleting either gives the same sequence. VCF-style (leftmost placement, unchanged base first): chr15-25360431-TG-T. GRCh37 (hg19) VCF-style: chr15-25605578-TG-T.
Other names: c.1644del, p.Glu550fs (NM_001354526.1, NM_001354539.2, NM_001354540.2 and 17 more transcripts); c.1704del, p.Glu570fs (NM_001354538.2, NM_001354545.2, NM_001354505.1); c.1527del, p.Glu511fs (NM_001354546.2); c.453del, p.Glu153fs (NM_001354550.2); c.393del, p.Glu133fs (NM_001354551.2); c.1713del, p.Glu573fs (NM_000462.5); c.1704delC (NM_130839.5); short protein forms E133fs, E153fs, E511fs, E550fs, E570fs, E573fs.
Identifiers: ClinVar variation 1708155 (VCV001708155.1), dbSNP rs2552188272, ClinGen allele CA2580089121.
Genomic context (GRCh38, chr15:25,360,431, plus strand): 5'-TAATGTATTTACCAATATCTGGATTGAAGATTTCCTCCACAACCAGCTGAAAAAATTCTT[TG>T]GAAACACCTCCCTCATCAACTCCTTGTTCTCCTTCAAATTCCACATACAACTGCTTCTTC-3'

ClinVar aggregate classification (germline): Likely pathogenic (1 of 4 stars; one submission).

Conditions:
Angelman syndrome (AS). Also called: HAPPY PUPPET SYNDROME. Identifiers: Orphanet 72, MedGen C0162635, MONDO:0007113, OMIM 105830. Disease mechanism: loss of function. Inheritance: AS is caused by disruption of maternally imprinted UBE3A located within the 15q11.2-q13 Angelman syndrome/Prader-Willi syndrome (AS/PWS) region., imprinting disorder.

Submission:

Laboratory of Medical Genetics, National & Kapodistrian University of Athens
Classification: Likely pathogenic for Angelman syndrome. Last evaluated: 2022-06-22. Review status: criteria provided, single submitter. Criteria: ACMG Guidelines, 2015. Collection method: clinical testing. Allele origin: maternal. Affected: yes.
Comment: PVS1, PM2